The following is an entry in ClinVar:

ClinVar aggregate classification (germline): Uncertain significance. Review status: criteria provided, multiple submitters, no conflicts (2 of 4 stars). 3 submissions from 3 submitters: Uncertain significance (3). Last evaluated 2025-12-15.

Conditions:
Inborn genetic diseases. Identifiers: MedGen C0950123, MeSH D030342.

Allele frequency attached by ClinVar (database versions not stated): 1000 Genomes Project 30x 0.00031; 1000 Genomes Project 0.00020.
gnomAD v4.1: 28 of 1,612,670 alleles (0.0017%); highest among the groups gnomAD compares: Admixed American, 0.025%; no homozygotes.

Submissions (3):

Ambry Genetics
Classification: Uncertain significance for Inborn genetic diseases. Last evaluated: 2025-12-15. Review status: criteria provided, single submitter. Criteria: Ambry Variant Classification Scheme 2023. Collection method: clinical testing. Allele origin: germline.

GeneDx
Classification: Uncertain significance. Last evaluated: 2024-01-05. Review status: criteria provided, single submitter. Criteria: GeneDx Variant Classification Process June 2021. Collection method: clinical testing. Allele origin: germline. Affected: yes.
Comment: In silico analysis supports that this missense variant does not alter protein structure/function; Has not been previously published as pathogenic or benign to our knowledge

Labcorp Genetics (formerly Invitae), Labcorp
Classification: Uncertain significance. Last evaluated: 2022-08-30. Review status: criteria provided, single submitter. Criteria: Invitae Variant Classification Sherloc (09022015). Collection method: clinical testing. Allele origin: germline.
Comment: This sequence change replaces threonine, which is neutral and polar, with methionine, which is neutral and non-polar, at codon 1408 of the MCM3AP protein (p.Thr1408Met). This variant is present in population databases (rs539917903, gnomAD 0.04%). This variant has not been reported in the literature in individuals affected with MCM3AP-related conditions. Algorithms developed to predict the effect of missense changes on protein structure and function (SIFT, PolyPhen-2, Align-GVGD) all suggest that this variant is likely to be disruptive. In summary, the available evidence is currently insufficient to determine the role of this variant in disease. Therefore, it has been classified as a Variant of Uncertain Significance.

NM_003906.5(MCM3AP):c.4223C>T (p.Thr1408Met)

Genes: MCM3AP (minichromosome maintenance complex component 3 associated protein; minus strand), MCM3AP-AS1 (MCM3AP antisense RNA 1; plus strand). Cytogenetic location: 21q22.3.
Variant type: single nucleotide variant.
Coding change: c.4223C>T on transcript NM_003906.5 (MANE Select); coding-DNA position 4223, C replaced by T.
Protein change: p.Thr1408Met; replaces threonine 1408 with methionine.
Molecular consequence: missense variant. On other transcripts: non-coding transcript variant (2).
Genome position (GRCh38, 1-based): chr21:46,251,596, G>A on the plus strand (C>T on the coding strand, the complement: MCM3AP is on the minus strand). VCF-style: chr21-46251596-G-A. GRCh37 (hg19) VCF-style: chr21-47671510-G-A.
Other names: c.4223C>T (NM_003906.3); short protein forms T1408M.
Identifiers: ClinVar variation 2189999 (VCV002189999.3), dbSNP rs539917903, ClinGen allele CA10076195.